The following is an entry in ClinVar:

NM_130837.3(OPA1):c.718C>T (p.Gln240Ter)

Genes: OPA1 (OPA1 mitochondrial dynamin like GTPase; plus strand), OPA1-AS1 (OPA1 antisense RNA 1; minus strand). Cytogenetic location: 3q29.
Variant type: single nucleotide variant.
Coding change: c.718C>T on transcript NM_130837.3 (MANE Select); coding-DNA position 718, C replaced by T.
Protein change: p.Gln240Ter; replaces glutamine 240 with a stop codon.
Molecular consequence: nonsense. On other transcripts: intron variant (5).
Genome position (GRCh38, 1-based): chr3:193,626,131, C>T. VCF-style: chr3-193626131-C-T. GRCh37 (hg19) VCF-style: chr3-193343920-C-T.
Other names: c.184C>T, p.Gln62Ter (NM_001354663.2); c.556C>T, p.Gln186Ter (NM_130833.3); c.610C>T, p.Gln204Ter (NM_130835.3); c.664C>T, p.Gln222Ter (NM_130836.3); c.253-5481C>T (NM_001354664.2); c.679-5481C>T (NM_130834.3); c.625-5481C>T (NM_015560.3); c.571-5481C>T (NM_130832.3); and 1 more; short protein forms Q204*, Q222*, Q240*, Q62*, Q186*.
Identifiers: ClinVar variation 2024768 (VCV002024768.4), dbSNP rs751085689, ClinGen allele CA355788613.

ClinVar aggregate classification (germline): Uncertain significance (1 of 4 stars; one submission).

Submission:

Labcorp Genetics (formerly Invitae), Labcorp
Classification: Uncertain significance. Last evaluated: 2022-08-19. Review status: criteria provided, single submitter. Criteria: Invitae Variant Classification Sherloc (09022015). Collection method: clinical testing. Allele origin: germline.
Comment: This sequence change falls in intron 5 of the OPA1 gene. It does not directly change the encoded amino acid sequence of the OPA1 protein. In summary, the available evidence is currently insufficient to determine the role of this variant in disease. Therefore, it has been classified as a Variant of Uncertain Significance. Algorithms developed to predict the effect of sequence changes on RNA splicing suggest that this variant may disrupt the consensus splice site. This variant has not been reported in the literature in individuals affected with OPA1-related conditions. This variant is not present in population databases (gnomAD no frequency).